The following is an entry in ClinVar:

NM_032638.5(GATA2):c.1333C>G (p.Pro445Ala)

Gene: GATA2 (GATA binding protein 2; minus strand). Cytogenetic location: 3q21.3.
Variant type: single nucleotide variant.
Coding change: c.1333C>G on transcript NM_032638.5 (MANE Select); coding-DNA position 1333, C replaced by G.
Protein change: p.Pro445Ala; replaces proline 445 with alanine.
Molecular consequence: missense variant.
Genome position (GRCh38, 1-based): chr3:128,481,129, G>C on the plus strand (C>G on the coding strand, the complement: GATA2 is on the minus strand). VCF-style: chr3-128481129-G-C. GRCh37 (hg19) VCF-style: chr3-128199972-G-C.
Other names: c.1333C>G, p.Pro445Ala (NM_001145661.2); c.1291C>G, p.Pro431Ala (NM_001145662.1); short protein forms P431A, P445A.
Identifiers: ClinVar variation 2501421 (VCV002501421.3), dbSNP rs2068622107, ClinGen allele CA354412730.

ClinVar aggregate classification (germline): Uncertain significance. Review status: criteria provided, multiple submitters, no conflicts (2 of 4 stars). 3 submissions from 3 submitters: Uncertain significance (3). Last evaluated 2026-01-13.

Conditions:
Acute myeloid leukemia (AML). Also called: Acute myeloid leukemia, adult; AML adult; Acute non-lymphocytic leukemia; Acute granulocytic leukemia; Leukemia, acute myeloid, somatic; Leukemia, acute myelogenous, somatic. Identifiers: Orphanet 519, MedGen C0023467, MeSH D015470, MONDO:0018874, OMIM 601626, HP:0004808. Disease mechanism: Constitutively activated FLT3.
Inborn genetic diseases. Identifiers: MedGen C0950123, MeSH D030342.

Allele frequency attached by ClinVar (database versions not stated): gnomAD 0.00001.
gnomAD v4.1: 1 of 1,614,104 alleles (0.000062%); highest among the groups gnomAD compares: African/African-American, 0.0013%; no homozygotes.

Submissions (3):

Ambry Genetics
Classification: Uncertain significance for Inborn genetic diseases. Last evaluated: 2026-01-13. Review status: criteria provided, single submitter. Criteria: Ambry Variant Classification Scheme 2023. Collection method: clinical testing. Allele origin: germline.
Comment: The p.P445A variant (also known as c.1333C>G), located in coding exon 5 of the GATA2 gene, results from a C to G substitution at nucleotide position 1333. The proline at codon 445 is replaced by alanine, an amino acid with highly similar properties. This amino acid position is conserved. In addition, this alteration is predicted to be deleterious by in silico analysis. Based on the available evidence, the clinical significance of this variant remains unclear.

Baylor Genetics
Classification: Uncertain significance for Acute myeloid leukemia. Last evaluated: 2023-10-17. Review status: criteria provided, single submitter. Criteria: ACMG Guidelines, 2015. Collection method: clinical testing. Allele origin: unknown.

GeneDx
Classification: Uncertain significance. Last evaluated: 2022-11-07. Review status: criteria provided, single submitter. Criteria: GeneDx Variant Classification Process June 2021. Collection method: clinical testing. Allele origin: germline. Affected: yes.
Comment: Not observed at significant frequency in large population cohorts (gnomAD); In silico analysis supports that this missense variant does not alter protein structure/function; Has not been previously published as pathogenic or benign to our knowledge